The following is an entry in ClinVar:

NM_032193.4(RNASEH2C):c.136C>T (p.Arg46Cys)

Genes: RNASEH2C (ribonuclease H2 subunit C; minus strand), LOC130006061 (ATAC-STARR-seq lymphoblastoid silent region 3553; plus strand). Cytogenetic location: 11q13.1.
Variant type: single nucleotide variant.
Coding change: c.136C>T on transcript NM_032193.4 (MANE Select); coding-DNA position 136, C replaced by T.
Protein change: p.Arg46Cys; replaces arginine 46 with cysteine.
Molecular consequence: missense variant.
Genome position (GRCh38, 1-based): chr11:65,720,623, G>A on the plus strand (C>T on the coding strand, the complement: RNASEH2C is on the minus strand). VCF-style: chr11-65720623-G-A. GRCh37 (hg19) VCF-style: chr11-65488094-G-A.
Other names: short protein forms R46C.
Identifiers: ClinVar variation 1389525 (VCV001389525.3), dbSNP rs1194474428, ClinGen allele CA381299235.

ClinVar aggregate classification (germline): Uncertain significance (1 of 4 stars; one submission).

Conditions:
Aicardi-Goutieres syndrome 3. Identifiers: Orphanet 51, MedGen C1835916, MONDO:0012471, OMIM 610329.

Allele frequency attached by ClinVar (database versions not stated): TOPMed below 0.00001.

Submission:

Labcorp Genetics (formerly Invitae), Labcorp
Classification: Uncertain significance for Aicardi-Goutieres syndrome 3. Last evaluated: 2021-10-27. Review status: criteria provided, single submitter. Criteria: Invitae Variant Classification Sherloc (09022015). Collection method: clinical testing. Allele origin: germline.
Comment: This sequence change replaces arginine, a(n) basic and polar amino acid, with cysteine, a(n) neutral and slightly polar amino acid, at codon 46 of the RNASEH2C protein (p.Arg46Cys). This variant is not present in population databases (gnomAD no frequency). This variant has not been reported in the literature in individuals affected with RNASEH2C-related conditions. Algorithms developed to predict the effect of missense changes on protein structure and function are either unavailable or do not agree on the potential impact of this missense change (SIFT: "Deleterious"; PolyPhen-2: "Possibly Damaging"; Align-GVGD: "Class C0"). In summary, the available evidence is currently insufficient to determine the role of this variant in disease. Therefore, it has been classified as a Variant of Uncertain Significance.